The following is an entry in ClinVar:

ClinVar aggregate classification (germline): Uncertain significance (1 of 4 stars; one submission).

Conditions:
Cardiovascular phenotype. Identifiers: MedGen CN230736.

Submission:

Ambry Genetics
Classification: Uncertain significance for Cardiovascular phenotype. Last evaluated: 2025-10-14. Review status: criteria provided, single submitter. Criteria: Ambry Variant Classification Scheme 2023. Collection method: clinical testing. Allele origin: germline.
Comment: The c.708-3C>T intronic variant results from a C to T substitution 3 nucleotides upstream from coding exon 4 in the JUP gene. This nucleotide position is highly conserved in available vertebrate species. In silico splice site analysis predicts that this alteration will not have any significant effect on splicing. Based on the available evidence, the clinical significance of this variant remains unclear.

NM_002230.4(JUP):c.708-3C>T

Gene: JUP (junction plakoglobin; minus strand). Cytogenetic location: 17q21.2.
Variant type: single nucleotide variant.
Coding change: c.708-3C>T on transcript NM_002230.4 (MANE Select); 3 bases into the intron before coding-DNA position 708, C replaced by T.
Molecular consequence: intron variant.
Genome position (GRCh38, 1-based): chr17:41,767,583, G>A on the plus strand (C>T on the coding strand, the complement: JUP is on the minus strand). VCF-style: chr17-41767583-G-A. GRCh37 (hg19) VCF-style: chr17-39923835-G-A.
Other names: c.708-3C>T (NM_001352774.2, NM_021991.4, NM_001352776.2 and 3 more transcripts).
Identifiers: ClinVar variation 4614316 (VCV004614316.1).